The following is an entry in ClinVar:

ClinVar aggregate classification (germline): Uncertain significance (1 of 4 stars; one submission).

Allele frequency attached by ClinVar (database versions not stated): ExAC 0.00001; gnomAD exomes 0.00001.
gnomAD v4.1: 14 of 1,606,124 alleles (0.00087%); highest among the groups gnomAD compares: Non-Finnish European, 0.0012%; no homozygotes.

Submission:

Labcorp Genetics (formerly Invitae), Labcorp
Classification: Uncertain significance. Last evaluated: 2024-01-02. Review status: criteria provided, single submitter. Criteria: Invitae Variant Classification Sherloc (09022015). Collection method: clinical testing. Allele origin: germline.
Comment: This sequence change replaces arginine, which is basic and polar, with proline, which is neutral and non-polar, at codon 4 of the POLG2 protein (p.Arg4Pro). This variant is present in population databases (rs781936160, gnomAD 0.002%). This variant has not been reported in the literature in individuals affected with POLG2-related conditions. ClinVar contains an entry for this variant (Variation ID: 1525907). An algorithm developed to predict the effect of missense changes on protein structure and function (PolyPhen-2) suggests that this variant is likely to be tolerated. In summary, the available evidence is currently insufficient to determine the role of this variant in disease. Therefore, it has been classified as a Variant of Uncertain Significance.

NM_007215.4(POLG2):c.11G>C (p.Arg4Pro)

Genes: MILR1 (mast cell immunoglobulin like receptor 1; plus strand), POLG2 (DNA polymerase gamma 2, accessory subunit; minus strand). Cytogenetic location: 17q23.3.
Variant type: single nucleotide variant.
Coding change: c.11G>C on transcript NM_007215.4 (MANE Select); coding-DNA position 11, G replaced by C.
Protein change: p.Arg4Pro; replaces arginine 4 with proline.
Molecular consequence: missense variant.
Genome position (GRCh38, 1-based): chr17:64,496,958, C>G on the plus strand (G>C on the coding strand, the complement: POLG2 is on the minus strand). VCF-style: chr17-64496958-C-G. GRCh37 (hg19) VCF-style: chr17-62493076-C-G.
Other names: short protein forms R4P.
Identifiers: ClinVar variation 1525907 (VCV001525907.6), dbSNP rs781936160, ClinGen allele CA8713109.
Genomic context (GRCh38, chr17:64,496,958, plus strand): 5'-CGACCCCCAAACCCAGACAACAGGCACCTGCAGACCTTATGGCAGGCCCTGACGGCTACA[C>G]GAGAGCGCATCTCTCTCCGAAGTTAAAGAGCACACTCTCCCATCACTCAACGGATCCCAA-3'
Protein context (NP_009146.2, residues 1-14): MRS[Arg4Pro]VAVRACHKVC